The following is an entry in ClinVar:

ClinVar aggregate classification (germline): Uncertain significance. Review status: criteria provided, single submitter (1 of 4 stars). 2 submissions from 2 submitters: Uncertain significance (1). 1 of the submissions does not count toward it. Last evaluated 2016-06-10.

Conditions:
Cardiomyopathy (CMYO). Also called: Cardiomyopathies. Identifiers: Orphanet 167848, MedGen C0878544, MONDO:0004994, HP:0001638. Inheritance: Various modes of inheritance.
Becker muscular dystrophy (BMD). Also called: MUSCULAR DYSTROPHY, PSEUDOHYPERTROPHIC PROGRESSIVE, BECKER TYPE; Becker Muscular Dystrophy (BMD). Identifiers: Orphanet 98895, MedGen C0917713, MONDO:0010311, OMIM 300376.
Duchenne muscular dystrophy (DMD). Also called: MUSCULAR DYSTROPHY, PSEUDOHYPERTROPHIC PROGRESSIVE, DUCHENNE TYPE; Duchenne Muscular Dystrophy (DMD). Identifiers: Orphanet 98896, MedGen C0013264, MONDO:0010679, OMIM 310200.
Dystrophin deficiency.

Allele frequency attached by ClinVar (database versions not stated): gnomAD exomes 0.00001 and 0.00002; ExAC 0.00002; gnomAD 0.00006; TOPMed 0.00006; ESP Exome Variant Server 0.00009; 1000 Genomes Project 30x 0.00021; 1000 Genomes Project 0.00026.
gnomAD v4.1: 14 of 1,206,300 alleles (0.0012%); highest among the groups gnomAD compares: African/African-American, 0.023%; no homozygotes.

Submissions (2):

Laboratory for Molecular Medicine, Mass General Brigham Personalized Medicine
Classification: Uncertain significance. Last evaluated: 2016-06-10. Review status: criteria provided, single submitter. Criteria: LMM Criteria. Collection method: clinical testing. Allele origin: germline. Observed: 1 variant allele.
Comment: The p.Asp1224Asn variant in DMD has not been previously reported in individuals with cardiomyopathy, but has been identified in 2/8503 African chromosomes, incl uding one hemizygote, by the Exome Aggregation Consortium (ExAC; dbSNP rs372284841). Computational prediction tools and conserva tion analysis are limited or unavailable for this variant. In summary, the clini cal significance of the p.Asp1224Asn variant is uncertain.

Natera, Inc.
Classification: Uncertain significance for Becker muscular dystrophy; Cardiomyopathy; Duchenne muscular dystrophy; Dystrophin deficiency. Last evaluated: 2020-05-03. Review status: no assertion criteria provided. Collection method: clinical testing. Allele origin: germline. Not counted in ClinVar's aggregate classification.

NM_004006.3(DMD):c.*24G>A

Gene: DMD (dystrophin; minus strand). Cytogenetic location: Xp21.2.
Variant type: single nucleotide variant.
Coding change: c.*24G>A on transcript NM_004006.3 (MANE Select); 24 bases downstream of the stop codon, G replaced by A.
Molecular consequence: 3 prime UTR variant. On other transcripts: missense variant (5).
Genome position (GRCh38, 1-based): chrX:31,121,895, C>T on the plus strand (G>A on the coding strand, the complement: DMD is on the minus strand). VCF-style: chrX-31121895-C-T. GRCh37 (hg19) VCF-style: chrX-31140012-C-T.
Other names: c.*24G>A (NM_000109.4, NM_004009.3, NM_004010.3 and 7 more transcripts); c.1846G>A, p.Asp616Asn (NM_004016.3); c.1807G>A, p.Asp603Asn (NM_004018.3); c.3670G>A, p.Asp1224Asn (NM_004021.3); c.3631G>A, p.Asp1211Asn (NM_004022.3); c.3340G>A, p.Asp1114Asn (NM_004023.3); short protein forms D1224N, D616N, D1114N, D603N, D1211N.
Identifiers: ClinVar variation 504876 (VCV000504876.5), dbSNP rs372284841, ClinGen allele CA10377450.
Genomic context (GRCh38, chrX:31,121,895, plus strand): 5'-ATTCTGCTCCTTCTTCATCTGTCATGACTGATACTAAGGACTCCATCGCTCTGCCCAAAT[C>T]ATCTGCCATGTGGAAAAGACTTCCTACATTGTGTCCTGGAAAACAAAGAGAAAGAAAGAC-3'